The following is an entry in ClinVar:

ClinVar aggregate classification (germline): Uncertain significance (1 of 4 stars; one submission).

gnomAD v4.1: 1 of 1,614,088 alleles (0.000062%); no homozygotes.

Submission:

GeneDx
Classification: Uncertain significance. Last evaluated: 2017-05-08. Review status: criteria provided, single submitter. Criteria: GeneDx Variant Classification (06012015). Collection method: clinical testing. Allele origin: germline. Affected: yes.
Comment: The A757V variant has not been published as a pathogenic variant, nor has it been reported as a benign variant to our knowledge. The A757V variant is not observed in large population cohorts (Lek et al., 2016; 1000 Genomes Consortium et al., 2015; Exome Variant Server). This variant is a conservative amino acid substitution, which is not likely to impact secondary protein structure as these residues share similar properties. However, this substitution occurs at a position that is conserved across species, and in silico analysis predicts this variant is probably damaging to the protein structure/function.

NM_004393.6(DAG1):c.2270C>T (p.Ala757Val)

Gene: DAG1 (dystroglycan 1; plus strand). Cytogenetic location: 3p21.31.
Variant type: single nucleotide variant.
Coding change: c.2270C>T on transcript NM_004393.6 (MANE Select); coding-DNA position 2270, C replaced by T.
Protein change: p.Ala757Val; replaces alanine 757 with valine.
Molecular consequence: missense variant.
Genome position (GRCh38, 1-based): chr3:49,532,781, C>T. VCF-style: chr3-49532781-C-T. GRCh37 (hg19) VCF-style: chr3-49570214-C-T.
Other names: c.2270C>T, p.Ala757Val (NM_001165928.4, NM_001177634.3, NM_001177635.3 and 9 more transcripts); short protein forms A757V.
Identifiers: ClinVar variation 429674 (VCV000429674.3), dbSNP rs1131691522, ClinGen allele CA352797276.